The following is an entry in ClinVar:

ClinVar aggregate classification (germline): Uncertain significance (1 of 4 stars; one submission).

Conditions:
PCNT-related disorder. Also called: PCNT-related condition.

Submission:

PreventionGenetics, part of Exact Sciences
Classification: Uncertain significance for PCNT-related condition. Last evaluated: 2025-05-21. Review status: criteria provided, single submitter. Criteria: ACMG Guidelines, 2015. Collection method: clinical testing. Allele origin: germline.
Comment: The PCNT c.4650A>C variant is predicted to result in the amino acid substitution p.Lys1550Asn. To our knowledge, this variant has not been reported in the literature or in a large population database (gnomAD), indicating this variant is rare. At this time, the clinical significance of this variant is uncertain due to the absence of conclusive functional and genetic evidence.

NM_006031.6(PCNT):c.4650A>C (p.Lys1550Asn)

Gene: PCNT (pericentrin; plus strand). Cytogenetic location: 21q22.3.
Variant type: single nucleotide variant.
Coding change: c.4650A>C on transcript NM_006031.6 (MANE Select); coding-DNA position 4650, A replaced by C.
Protein change: p.Lys1550Asn; replaces lysine 1550 with asparagine.
Molecular consequence: missense variant.
Genome position (GRCh38, 1-based): chr21:46,399,655, A>C. VCF-style: chr21-46399655-A-C. GRCh37 (hg19) VCF-style: chr21-47819569-A-C.
Other names: c.4296A>C, p.Lys1432Asn (NM_001315529.2); short protein forms K1550N, K1432N.
Identifiers: ClinVar variation 5002653 (VCV005002653.1).